The following is an entry in ClinVar:

ClinVar aggregate classification (germline): Uncertain significance (1 of 4 stars; one submission).

Conditions:
Hereditary cancer-predisposing syndrome. Also called: Neoplastic Syndromes, Hereditary; Tumor predisposition; Hereditary Cancer Syndrome; Hereditary neoplastic syndrome. Identifiers: Orphanet 140162, MedGen C0027672, MeSH D009386, MONDO:0015356.

Submission:

Ambry Genetics
Classification: Uncertain significance for Hereditary cancer-predisposing syndrome. Last evaluated: 2025-11-10. Review status: criteria provided, single submitter. Criteria: Ambry Variant Classification Scheme 2023. Collection method: clinical testing. Allele origin: germline.
Comment: The p.E459V variant (also known as c.1376A>T), located in coding exon 2 of the MET gene, results from an A to T substitution at nucleotide position 1376. The glutamic acid at codon 459 is replaced by valine, an amino acid with dissimilar properties. This amino acid position is well conserved in available vertebrate species. In addition, this alteration is predicted to be tolerated by in silico analysis. Based on the available evidence, the clinical significance of this variant remains unclear.

NM_000245.4(MET):c.1376A>T (p.Glu459Val)

Gene: MET (MET proto-oncogene, receptor tyrosine kinase; plus strand). Cytogenetic location: 7q31.2.
Variant type: single nucleotide variant.
Coding change: c.1376A>T on transcript NM_000245.4 (MANE Select); coding-DNA position 1376, A replaced by T.
Protein change: p.Glu459Val; replaces glutamic acid 459 with valine.
Molecular consequence: missense variant.
Genome position (GRCh38, 1-based): chr7:116,731,843, A>T. VCF-style: chr7-116731843-A-T. GRCh37 (hg19) VCF-style: chr7-116371897-A-T.
Other names: c.1376A>T, p.Glu459Val (NM_001127500.3, NM_001324401.3); c.86A>T, p.Glu29Val (NM_001324402.2); short protein forms E29V, E459V.
Identifiers: ClinVar variation 4647941 (VCV004647941.1).